The following is an entry in ClinVar:

ClinVar aggregate classification (germline): Conflicting classifications of pathogenicity. Review status: criteria provided, conflicting classifications (1 of 4 stars). 4 submissions from 4 submitters: Likely pathogenic (1); Uncertain significance (3). Last evaluated 2025-08-22.

Conditions:
Polycystic kidney disease, adult type (PKD1). Also called: POLYCYSTIC KIDNEY DISEASE, ADULT, TYPE I; Polycystic Kidney Disease 1, Autosomal Dominant; Polycystic kidney disease 1; Polycystic kidney disease 1, severe; Polycystic Kidney, Autosomal Dominant; POLYCYSTIC KIDNEY DISEASE 1 WITH OR WITHOUT POLYCYSTIC LIVER DISEASE. Identifiers: MedGen C3149841, MONDO:0008263, OMIM 173900.
PKD1-related disorder. Also called: PKD1-related condition.

Submissions (4):

PreventionGenetics, part of Exact Sciences
Classification: Uncertain significance for PKD1-related condition. Last evaluated: 2025-08-22. Review status: criteria provided, single submitter. Criteria: ACMG Guidelines, 2015. Collection method: clinical testing. Allele origin: germline.
Comment: The PKD1 c.6842C>T variant is predicted to result in the amino acid substitution p.Ser2281Phe. This variant was reported in an individual with autosomal dominant polycystic kidney disease (ADPKD) (Supplementary Table 2, Jin et al. 2016. PubMed ID: 27782177). Of note, a different substitution at the same codon, defined as c.6842C>A (p.Ser2281Tyr), was reported in an individual with very early onset polycystic kidney disease (Durkie et al. 2021. PubMed ID: 33168999). The c.6842C>T (p.Ser2281Phe) variant has not been reported in a large population database (gnomAD), indicating this variant is rare. Although we suspect that this variant may be pathogenic, at this time, the clinical significance of this variant is uncertain due to the absence of conclusive functional and genetic evidence.

Victorian Clinical Genetics Services, Murdoch Childrens Research Institute
Classification: Likely pathogenic for Polycystic kidney disease, adult type. Last evaluated: 2024-10-10. Review status: criteria provided, single submitter. Criteria: ACMG Guidelines, 2015. Collection method: clinical testing. Allele origin: germline. Inheritance: Autosomal dominant inheritance. Affected: yes.
Comment: Based on the classification scheme VCGS_Germline_v1.3.5, this variant is classified as Likely pathogenic. Following criteria are met: 0102 - Loss of function is a known mechanism of disease in this gene and is associated with polycystic kidney disease 1 (MIM#173900). (I) 0107 - This gene is associated with autosomal dominant disease. Polycystic kidney disease 1 (MIM#173900) is predominantly caused by monoallelic variants, with rare reports of biallelic variants causing disease (OMIM). (I) 0200 - Variant is predicted to result in a missense amino acid change from serine to phenylalanine. (I) 0251 - This variant is heterozygous. (I) 0301 - Variant is absent from gnomAD (v2, v3 and v4). (SP) 0309 - An alternative amino acid change at the same position has been observed in gnomAD (v4; 1 heterozygote, 0 homozygotes). (I) 0501 - Missense variant consistently predicted to be damaging by multiple in silico tools or highly conserved with a major amino acid change. (SP) 0600 - Variant is located in the annotated REJ domain (DECIPHER). (I) 0703 - Other missense variants comparable to the one identified in this case have moderate previous evidence for pathogenicity. p.(Ser2281Tyr) was observed in an infant with polycystic kidney disease (PMID: 33168999). p.(Ser2281Pro) was reported in an individual with ADPKD. (SP) 0803 - This variant has limited previous evidence of pathogenicity in unrelated individuals. This variant has been seen in two individuals with ADPKD (PMIDs: 27782177, 32398770). (SP) 1007 - No published functional evidence has been identified for this variant. (I) 1208 - Inheritance information for this variant is not currently available in this individual. (I) Legend: (SP) - Supporting pathogenic, (I) - Information, (SB) - Supporting benign

Department of Pathology and Laboratory Medicine, Sinai Health System
Classification: Uncertain significance for Polycystic kidney disease, adult type. Last evaluated: 2020-01-02. Review status: criteria provided, single submitter. Criteria: ACMG Guidelines, 2015. Collection method: clinical testing. Allele origin: germline. Affected: yes.

Juno Genomics, Hangzhou Juno Genomics, Inc
Classification: Uncertain significance for Polycystic kidney disease, adult type. Review status: criteria provided, single submitter. Criteria: ACMG Guidelines, 2015. Collection method: clinical testing. Allele origin: germline. Affected: yes.
Comment: Absent from controls (or at extremely low frequency if recessive) in Genome Aggregation Database, Exome Sequencing Project, 1000 Genomes Project, or Exome Aggregation Consortium.;Multiple lines of computational evidence support a deleterious effect on the gene or gene product (conservation, evolutionary, splicing impact, etc).;The prevalence of the variant in affected individuals is significantly increased compared to the prevalence in controls.;Patient's phenotype or family history is highly specific for a disease with a single genetic etiology.

Literature cited by the submitters: PubMed 27782177 (cited by Victorian Clinical Genetics Services, Murdoch Childrens Research Institute and Department of Pathology and Laboratory Medicine, Sinai Health System); PubMed 32398770 (cited by Victorian Clinical Genetics Services, Murdoch Childrens Research Institute); PubMed 33168999 (cited by Victorian Clinical Genetics Services, Murdoch Childrens Research Institute).

NM_001009944.3(PKD1):c.6842C>T (p.Ser2281Phe)

Gene: PKD1 (polycystin 1, transient receptor potential channel interacting; minus strand). Cytogenetic location: 16p13.3.
Variant type: single nucleotide variant.
Coding change: c.6842C>T on transcript NM_001009944.3 (MANE Select); coding-DNA position 6842, C replaced by T.
Protein change: p.Ser2281Phe; replaces serine 2281 with phenylalanine.
Molecular consequence: missense variant.
Genome position (GRCh38, 1-based): chr16:2,108,325, G>A on the plus strand (C>T on the coding strand, the complement: PKD1 is on the minus strand). VCF-style: chr16-2108325-G-A. GRCh37 (hg19) VCF-style: chr16-2158326-G-A.
Other names: c.6842C>T, p.Ser2281Phe (NM_000296.4); short protein forms S2281F.
Identifiers: ClinVar variation 3376928 (VCV003376928.5).